The following is an entry in ClinVar:

ClinVar aggregate classification (germline): Uncertain significance (1 of 4 stars; one submission).

Submission:

GeneDx
Classification: Uncertain significance. Last evaluated: 2024-05-01. Review status: criteria provided, single submitter. Criteria: GeneDx Variant Classification Process June 2021. Collection method: clinical testing. Allele origin: germline. Affected: yes.
Comment: Not observed at significant frequency in large population cohorts (gnomAD); In silico analysis supports that this missense variant has a deleterious effect on protein structure/function; Has not been previously published as pathogenic or benign to our knowledge

NM_004423.4(DVL3):c.518A>G (p.Tyr173Cys)

Gene: DVL3 (dishevelled segment polarity protein 3; plus strand). Cytogenetic location: 3q27.1.
Variant type: single nucleotide variant.
Coding change: c.518A>G on transcript NM_004423.4 (MANE Select); coding-DNA position 518, A replaced by G.
Protein change: p.Tyr173Cys; replaces tyrosine 173 with cysteine.
Molecular consequence: missense variant.
Genome position (GRCh38, 1-based): chr3:184,164,850, A>G. VCF-style: chr3-184164850-A-G. GRCh37 (hg19) VCF-style: chr3-183882638-A-G.
Other names: short protein forms Y173C.
Identifiers: ClinVar variation 3376005 (VCV003376005.1).